The following is an entry in ClinVar:

NM_002618.4(PEX13):c.148del (p.Arg50fs)

Gene: PEX13 (peroxisomal biogenesis factor 13; plus strand). Cytogenetic location: 2p15.
Variant type: Deletion.
Coding change: c.148del on transcript NM_002618.4 (MANE Select); coding-DNA position 148, one base deleted (A; older notation c.148delA).
Protein change: p.Arg50fs; shifts the reading frame from arginine 50.
Molecular consequence: frameshift variant.
Genome position (GRCh38, 1-based): chr2:61,031,474, A deleted. VCF-style (leftmost placement, unchanged base first): chr2-61031473-CA-C. GRCh37 (hg19) VCF-style: chr2-61258608-CA-C.
Other names: short protein forms R50fs.
Identifiers: ClinVar variation 1993651 (VCV001993651.4), dbSNP rs2467507433, ClinGen allele CA2580067575.

ClinVar aggregate classification (germline): Pathogenic (1 of 4 stars; one submission).

Conditions:
Peroxisome biogenesis disorder 11A (Zellweger). Also called: Peroxisome biogenesis disorder 11A. Identifiers: Orphanet 912, MedGen C3554000, MONDO:0013949, OMIM 614883.

Submission:

Labcorp Genetics (formerly Invitae), Labcorp
Classification: Pathogenic for Peroxisome biogenesis disorder 11A (Zellweger). Last evaluated: 2024-02-27. Review status: criteria provided, single submitter. Criteria: Invitae Variant Classification Sherloc (09022015). Collection method: clinical testing. Allele origin: germline.
Comment: This sequence change creates a premature translational stop signal (p.Arg50Glufs*19) in the PEX13 gene. It is expected to result in an absent or disrupted protein product. Loss-of-function variants in PEX13 are known to be pathogenic (PMID: 10332040, 21031596). This variant is not present in population databases (gnomAD no frequency). This variant has not been reported in the literature in individuals affected with PEX13-related conditions. ClinVar contains an entry for this variant (Variation ID: 1993651). For these reasons, this variant has been classified as Pathogenic.

Literature cited by the submitters: PubMed 10332040; PubMed 21031596.